The following is an entry in ClinVar:

NM_001040142.2(SCN2A):c.573G>T (p.Trp191Cys)

Gene: SCN2A (sodium voltage-gated channel alpha subunit 2; plus strand). Cytogenetic location: 2q24.3.
Variant type: single nucleotide variant.
Coding change: c.573G>T on transcript NM_001040142.2 (MANE Select); coding-DNA position 573, G replaced by T.
Protein change: p.Trp191Cys; replaces tryptophan 191 with cysteine.
Molecular consequence: missense variant.
Genome position (GRCh38, 1-based): chr2:165,308,762, G>T. VCF-style: chr2-165308762-G-T. GRCh37 (hg19) VCF-style: chr2-166165272-G-T.
Other names: c.573G>T, p.Trp191Cys (NM_001040143.2, NM_001371246.1, NM_001371247.1 and 1 more transcripts); short protein forms W191C.
Identifiers: ClinVar variation 643515 (VCV000643515.11), dbSNP rs1553567381, ClinGen allele CA349016652.

ClinVar aggregate classification (germline): Pathogenic (1 of 4 stars; one submission).

Conditions:
Seizures, benign familial infantile, 3 (BFIS3). Also called: CONVULSIONS, BENIGN FAMILIAL INFANTILE, 3; Familial neonatal seizures. Identifiers: Orphanet 140927, Orphanet 306, MedGen C1843140, MONDO:0011904, OMIM 607745.
Developmental and epileptic encephalopathy, 11 (DEE11). Also called: Early infantile epileptic encephalopathy 11. Identifiers: Orphanet 1934, MedGen C3150987, MONDO:0013388, OMIM 613721.

Submission:

Labcorp Genetics (formerly Invitae), Labcorp
Classification: Pathogenic for Seizures, benign familial infantile, 3; Developmental and epileptic encephalopathy, 11. Last evaluated: 2019-02-21. Review status: criteria provided, single submitter. Criteria: Invitae Variant Classification Sherloc (09022015). Collection method: clinical testing. Allele origin: germline.
Comment: Algorithms developed to predict the effect of missense changes on protein structure and function are either unavailable or do not agree on the potential impact of this missense change (SIFT: "Deleterious"; PolyPhen-2: "Probably Damaging"; Align-GVGD: "Class C0"). For these reasons, this variant has been classified as Pathogenic. Algorithms developed to predict the effect of sequence changes on RNA splicing suggest that this variant may create or strengthen a splice site, but this prediction has not been confirmed by published transcriptional studies. This variant has been observed to be de novo in an individual with clinical features of SCN2A-related condition (PMID: 29625812, Invitae). This variant is not present in population databases (ExAC no frequency). This sequence change replaces tryptophan with cysteine at codon 191 of the SCN2A protein (p.Trp191Cys). The tryptophan residue is highly conserved and there is a large physicochemical difference between tryptophan and cysteine.

Literature cited by the submitters: PubMed 29625812.